The following is an entry in ClinVar:

NM_004318.4(ASPH):c.652+6A>T

Gene: ASPH (aspartate beta-hydroxylase; minus strand). Cytogenetic location: 8q12.3.
Variant type: single nucleotide variant.
Coding change: c.652+6A>T on transcript NM_004318.4 (MANE Select); 6 bases into the intron after coding-DNA position 652, A replaced by T.
Molecular consequence: intron variant.
Genome position (GRCh38, 1-based): chr8:61,644,594, T>A on the plus strand (A>T on the coding strand, the complement: ASPH is on the minus strand). VCF-style: chr8-61644594-T-A. GRCh37 (hg19) VCF-style: chr8-62557153-T-A.
Other names: c.565+6A>T (NM_001164750.2); c.523+6A>T (NM_001164755.2); c.652+6A>T (NM_001164754.2, NM_032466.4); c.481+6A>T (NM_001164753.2); c.610+6A>T (NM_001164752.2, NM_001164751.2, NM_032468.5).
Identifiers: ClinVar variation 2002051 (VCV002002051.4), dbSNP rs2548247232, ClinGen allele CA2580078846.
Genomic context (GRCh38, chr8:61,644,594, plus strand): 5'-ATTTTATGATGCCCTTTTAAAGGAAGACTCACTCTAATTAAGAACAGAATTAAATTAAAA[T>A]CTCACCTGTCTCTTCCACGTGGTAACTATGCTCGGTTTCTGGAAAAAAAAAAATTAGATT-3'

ClinVar aggregate classification (germline): Uncertain significance (1 of 4 stars; one submission).

Submission:

Labcorp Genetics (formerly Invitae), Labcorp
Classification: Uncertain significance. Last evaluated: 2022-06-02. Review status: criteria provided, single submitter. Criteria: Invitae Variant Classification Sherloc (09022015). Collection method: clinical testing. Allele origin: germline.
Comment: This variant has not been reported in the literature in individuals affected with ASPH-related conditions. This variant is not present in population databases (gnomAD no frequency). This sequence change falls in intron 7 of the ASPH gene. It does not directly change the encoded amino acid sequence of the ASPH protein. It affects a nucleotide within the consensus splice site. Variants that disrupt the consensus splice site are a relatively common cause of aberrant splicing (PMID: 17576681, 9536098). Algorithms developed to predict the effect of sequence changes on RNA splicing suggest that this variant is not likely to affect RNA splicing. In summary, the available evidence is currently insufficient to determine the role of this variant in disease. Therefore, it has been classified as a Variant of Uncertain Significance.

Literature cited by the submitters: PubMed 17576681; PubMed 9536098.